The following is an entry in ClinVar:

NM_003073.5(SMARCB1):c.787A>G (p.Ile263Val)

Gene: SMARCB1 (SWI/SNF related BAF chromatin remodeling complex subunit B1; plus strand). Cytogenetic location: 22q11.23.
Variant type: single nucleotide variant.
Coding change: c.787A>G on transcript NM_003073.5 (MANE Select); coding-DNA position 787, A replaced by G.
Protein change: p.Ile263Val; replaces isoleucine 263 with valine.
Molecular consequence: missense variant.
Genome position (GRCh38, 1-based): chr22:23,816,928, A>G. VCF-style: chr22-23816928-A-G. GRCh37 (hg19) VCF-style: chr22-24159115-A-G.
Other names: c.760A>G, p.Ile254Val (NM_001007468.3); c.814A>G, p.Ile272Val (NM_001317946.2); c.841A>G, p.Ile281Val (NM_001362877.2); short protein forms I272V, I254V, I263V, I281V.
Identifiers: ClinVar variation 1760986 (VCV001760986.6), dbSNP rs2146010564, ClinGen allele CA410902016.
Genomic context (GRCh38, chr22:23,816,928, plus strand): 5'-CAGCAGATCGAGTCCTACCCCACGGACAGCATCCTGGAGGACCAGTCAGACCAGCGCGTC[A>G]TCATCAAGGTAGGTGACTTCTCACCCAGCACTGGAGCCTTCCTGGCCCTCAGGGTGGGTG-3'
Protein context (NP_003064.2, residues 253-273): ILEDQSDQRV[Ile263Val]IKLNIHVGNI

ClinVar aggregate classification (germline): Uncertain significance. Review status: criteria provided, multiple submitters, no conflicts (2 of 4 stars). 2 submissions from 2 submitters: Uncertain significance (2). Last evaluated 2022-08-24.

Conditions:
Hereditary cancer-predisposing syndrome. Also called: Neoplastic Syndromes, Hereditary; Tumor predisposition; Hereditary Cancer Syndrome; Hereditary neoplastic syndrome. Identifiers: Orphanet 140162, MedGen C0027672, MeSH D009386, MONDO:0015356.

Allele frequency attached by ClinVar (database versions not stated): gnomAD exomes 0.00001.
gnomAD v4.1: 15 of 1,613,888 alleles (0.00093%); highest among the groups gnomAD compares: Non-Finnish European, 0.0012%; no homozygotes.

Submissions (2):

Ambry Genetics
Classification: Uncertain significance for Hereditary cancer-predisposing syndrome. Last evaluated: 2022-08-24. Review status: criteria provided, single submitter. Criteria: Ambry Variant Classification Scheme 2023. Collection method: clinical testing. Allele origin: germline.
Comment: The p.I263V variant (also known as c.787A>G), located in coding exon 6 of the SMARCB1 gene, results from an A to G substitution at nucleotide position 787. The isoleucine at codon 263 is replaced by valine, an amino acid with highly similar properties. This amino acid position is highly conserved in available vertebrate species. In addition, the in silico prediction for this alteration is inconclusive. Missense and in-frame variants in SMARCB1 are known to cause neurodevelopmental disorders; however, such associations with rhabdoid tumor predisposition syndrome are exceedingly rare (Kosho T et al. Am J Med Genet C Semin Med Genet. 2014 Sep;166C(3):262-75; Eaton KW et al. Pediatr Blood Cancer. 2011 Jan;56(1):7-15). Based on the supporting evidence, the association of this alteration with Coffin-Siris syndrome is unknown; however, the association of this alteration with SMARCB1-related schwannomatosis is unlikely.

Labcorp Genetics (formerly Invitae), Labcorp
Classification: Uncertain significance. Last evaluated: 2022-05-24. Review status: criteria provided, single submitter. Criteria: Invitae Variant Classification Sherloc (09022015). Collection method: clinical testing. Allele origin: germline.
Comment: In summary, the available evidence is currently insufficient to determine the role of this variant in disease. Therefore, it has been classified as a Variant of Uncertain Significance. Algorithms developed to predict the effect of missense changes on protein structure and function (SIFT, PolyPhen-2, Align-GVGD) all suggest that this variant is likely to be tolerated. This variant has not been reported in the literature in individuals affected with SMARCB1-related conditions. This variant is not present in population databases (gnomAD no frequency). This sequence change replaces isoleucine, which is neutral and non-polar, with valine, which is neutral and non-polar, at codon 263 of the SMARCB1 protein (p.Ile263Val).